The following is an entry in ClinVar:

NM_000282.4(PCCA):c.1288C>G (p.Arg430Gly)

Gene: PCCA (propionyl-CoA carboxylase subunit alpha; plus strand). Cytogenetic location: 13q32.3.
Variant type: single nucleotide variant.
Coding change: c.1288C>G on transcript NM_000282.4 (MANE Select); coding-DNA position 1288, C replaced by G.
Protein change: p.Arg430Gly; replaces arginine 430 with glycine.
Molecular consequence: missense variant. On other transcripts: non-coding transcript variant (5).
Genome position (GRCh38, 1-based): chr13:100,307,195, C>G. VCF-style: chr13-100307195-C-G. GRCh37 (hg19) VCF-style: chr13-100959449-C-G.
Other names: c.1210C>G, p.Arg404Gly (NM_001127692.3, NM_001352607.2); c.1288C>G, p.Arg430Gly (NM_001178004.2, NM_001352605.2, NM_001352609.2); c.1144C>G, p.Arg382Gly (NM_001352606.2); c.1066C>G, p.Arg356Gly (NM_001352608.2); c.343C>G, p.Arg115Gly (NM_001352610.2, NM_001352611.2); c.199C>G, p.Arg67Gly (NM_001352612.2); short protein forms R356G, R382G, R404G, R430G, R67G, R115G.
Identifiers: ClinVar variation 1436153 (VCV001436153.5), dbSNP rs776821944, ClinGen allele CA7033601.
Genomic context (GRCh38, chr13:100,307,195, plus strand): 5'-ACAAAAAAATATCTACACAATATGAATTACTTTTCTTTTTTTCTTTTTTTCTCCCAGGTC[C>G]GAGTGGACAGTGGCATCCAACCAGGAAGTGATATTAGCATTTATTATGATCCTATGATTT-3'
Protein context (NP_000273.2, residues 420-440): YQEPLHLPGV[Arg430Gly]VDSGIQPGSD

ClinVar aggregate classification (germline): Uncertain significance (1 of 4 stars; one submission).

Conditions:
Propionic acidemia (PROP). Also called: GLYCINEMIA, KETOTIC; HYPERGLYCINEMIA WITH KETOACIDOSIS AND LEUKOPENIA; KETOTIC HYPERGLYCINEMIA. Identifiers: Orphanet 35, MedGen C0268579, MONDO:0011628, OMIM 606054, HP:0003571.

gnomAD v4.1: 23 of 1,607,988 alleles (0.0014%); highest among the groups gnomAD compares: Non-Finnish European, 0.0017%; no homozygotes.

Submission:

Labcorp Genetics (formerly Invitae), Labcorp
Classification: Uncertain significance for Propionic acidemia. Last evaluated: 2021-09-01. Review status: criteria provided, single submitter. Criteria: Invitae Variant Classification Sherloc (09022015). Collection method: clinical testing. Allele origin: germline.
Comment: This sequence change replaces arginine with glycine at codon 430 of the PCCA protein (p.Arg430Gly). The arginine residue is highly conserved and there is a moderate physicochemical difference between arginine and glycine. This variant is present in population databases (rs776821944, ExAC 0.002%). This variant has not been reported in the literature in individuals affected with PCCA-related conditions. Algorithms developed to predict the effect of missense changes on protein structure and function are either unavailable or do not agree on the potential impact of this missense change (SIFT: "Deleterious"; PolyPhen-2: "Probably Damaging"; Align-GVGD: "Class C0"). In summary, the available evidence is currently insufficient to determine the role of this variant in disease. Therefore, it has been classified as a Variant of Uncertain Significance.